The following is an entry in ClinVar:

ClinVar aggregate classification (germline): Uncertain significance. Review status: criteria provided, multiple submitters, no conflicts (2 of 4 stars). 2 submissions from 2 submitters: Uncertain significance (2). Last evaluated 2024-10-23.

Conditions:
Inborn genetic diseases. Identifiers: MedGen C0950123, MeSH D030342.

gnomAD v4.1: 17 of 1,612,906 alleles (0.0011%); highest among the groups gnomAD compares: Admixed American, 0.012%; no homozygotes.

Submissions (2):

Ambry Genetics
Classification: Uncertain significance for Inborn genetic diseases. Last evaluated: 2024-10-23. Review status: criteria provided, single submitter. Criteria: Ambry Variant Classification Scheme 2023. Collection method: clinical testing. Allele origin: germline.

GeneDx
Classification: Uncertain significance. Last evaluated: 2023-06-29. Review status: criteria provided, single submitter. Criteria: GeneDx Variant Classification Process June 2021. Collection method: clinical testing. Allele origin: germline. Affected: yes.
Comment: In silico analysis supports that this missense variant has a deleterious effect on protein structure/function; Has not been previously published as pathogenic or benign to our knowledge

NM_001271938.2(MEGF8):c.4528C>T (p.Arg1510Cys)

Gene: MEGF8 (multiple EGF like domains 8; plus strand). Cytogenetic location: 19q13.2.
Variant type: single nucleotide variant.
Coding change: c.4528C>T on transcript NM_001271938.2 (MANE Select); coding-DNA position 4528, C replaced by T.
Protein change: p.Arg1510Cys; replaces arginine 1510 with cysteine.
Molecular consequence: missense variant.
Genome position (GRCh38, 1-based): chr19:42,356,359, C>T. VCF-style: chr19-42356359-C-T. GRCh37 (hg19) VCF-style: chr19-42860511-C-T.
Other names: c.4327C>T, p.Arg1443Cys (NM_001410.3); short protein forms R1443C, R1510C.
Identifiers: ClinVar variation 3360624 (VCV003360624.2).